The following is an entry in ClinVar:

ClinVar aggregate classification (germline): Conflicting classifications of pathogenicity. Review status: criteria provided, conflicting classifications (1 of 4 stars). 6 submissions from 6 submitters: Uncertain significance (2); Likely benign (3). 1 of the submissions does not count toward it. Last evaluated 2026-04-10.

Conditions:
DICER1-related disorder. Also called: DICER1-related condition.
DICER1-related tumor predisposition. Also called: DICER1-related pleuropulmonary blastoma cancer predisposition syndrome; DICER1 syndrome. Identifiers: Orphanet 284343, MedGen C3839822, MONDO:0100216.
Hereditary cancer-predisposing syndrome. Also called: Hereditary neoplastic syndrome; Neoplastic Syndromes, Hereditary; Hereditary Cancer Syndrome; Tumor predisposition. Identifiers: Orphanet 140162, MedGen C0027672, MeSH D009386, MONDO:0015356.

Allele frequency attached by ClinVar (database versions not stated): gnomAD exomes 0.00005 and 0.00008; gnomAD 0.00006 and 0.00005; TOPMed 0.00010; ExAC 0.00015; ESP Exome Variant Server 0.00015.
gnomAD v4.1: 75 of 1,612,666 alleles (0.0047%); highest among the groups gnomAD compares: Non-Finnish European, 0.0057%; no homozygotes.

Submissions (6):

Myriad Genetics, Inc.
Classification: Likely benign for DICER1-related tumor predisposition. Last evaluated: 2026-04-10. Review status: criteria provided, single submitter. Criteria: Myriad Autosomal Dominant, Autosomal Recessive and X-Linked Classification Criteria (2023). Collection method: clinical testing. Allele origin: unknown.
Comment: This variant is considered likely benign. This variant is intronic and is not expected to impact mRNA splicing.

Labcorp Genetics (formerly Invitae), Labcorp
Classification: Likely benign for DICER1-related tumor predisposition. Last evaluated: 2026-01-20. Review status: criteria provided, single submitter. Criteria: Invitae Variant Classification Sherloc (09022015). Collection method: clinical testing. Allele origin: germline.

Center for Genomic Medicine, Rigshospitalet, Copenhagen University Hospital
Classification: Likely benign. Last evaluated: 2025-03-04. Review status: criteria provided, single submitter. Criteria: ACMG Guidelines, 2015. Collection method: clinical testing. Allele origin: germline.

Sema4
Classification: Uncertain significance for Hereditary cancer-predisposing syndrome. Last evaluated: 2021-09-05. Review status: criteria provided, single submitter. Criteria: Sema4 Curation Guidelines. Collection method: curation. Allele origin: germline.
Comment: The DICER1 c.734+6C>T variant has not been reported in the literature to our knowledge. It was observed in 17/129040 chromosomes of the Non-Finnish European subpopulation in the large and broad cohorts of the Genome Aggregation Database (PMID: 32461654). The variant has been reported in ClinVar (Variation ID 242148). In silico tools suggest the that the variant does not have an impact on splicing, though these predictions have not been confirmed by functional studies. The evidence is insufficient to meet ACMG/AMP criteria for classifying the variant as benign or pathogenic. Thus, the clinical significance of this variant is currently uncertain.

Ambry Genetics
Classification: Uncertain significance for Hereditary cancer-predisposing syndrome. Last evaluated: 2016-11-23. Review status: criteria provided, single submitter. Criteria: Ambry Variant Classification Scheme 2023. Collection method: clinical testing. Allele origin: germline.
Comment: The c.734+6C>T intronic alteration consists of a C to T substitution nucleotides after coding exon 5 in the DICER1 gene. Based on insufficient or conflicting evidence, the clinical significance of this alteration remains unclear.

PreventionGenetics, part of Exact Sciences
Classification: Likely benign for DICER1-related condition. Last evaluated: 2023-03-08. Review status: no assertion criteria provided. Collection method: clinical testing. Allele origin: germline. Not counted in ClinVar's aggregate classification.
Comment: This variant is classified as likely benign based on ACMG/AMP sequence variant interpretation guidelines (Richards et al. 2015 PMID: 25741868, with internal and published modifications).

NM_177438.3(DICER1):c.734+6C>T

Gene: DICER1 (dicer 1, ribonuclease III; minus strand). Cytogenetic location: 14q32.13.
Variant type: single nucleotide variant.
Coding change: c.734+6C>T on transcript NM_177438.3 (MANE Select); 6 bases into the intron after coding-DNA position 734, C replaced by T.
Molecular consequence: intron variant.
Genome position (GRCh38, 1-based): chr14:95,129,466, G>A on the plus strand (C>T on the coding strand, the complement: DICER1 is on the minus strand). VCF-style: chr14-95129466-G-A. GRCh37 (hg19) VCF-style: chr14-95595803-G-A.
Other names: c.734+6C>T (NM_001291628.2, NM_030621.4, NM_001271282.3 and 1 more transcripts).
Identifiers: ClinVar variation 242148 (VCV000242148.21), dbSNP rs200212137, ClinGen allele CA7331594.